The following is an entry in ClinVar:

NM_000214.3(JAG1):c.831T>A (p.Asn277Lys)

Gene: JAG1 (jagged canonical Notch ligand 1; minus strand). Cytogenetic location: 20p12.2.
Variant type: single nucleotide variant.
Coding change: c.831T>A on transcript NM_000214.3 (MANE Select); coding-DNA position 831, T replaced by A.
Protein change: p.Asn277Lys; replaces asparagine 277 with lysine.
Molecular consequence: missense variant.
Genome position (GRCh38, 1-based): chr20:10,652,523, A>T on the plus strand (T>A on the coding strand, the complement: JAG1 is on the minus strand). VCF-style: chr20-10652523-A-T. GRCh37 (hg19) VCF-style: chr20-10633171-A-T.
Other names: short protein forms N277K.
Identifiers: ClinVar variation 3573126 (VCV003573126.2).
Genomic context (GRCh38, chr20:10,652,523, plus strand): 5'-CATACCTTTGTCACAGAGCTGGCCGCCCCAGTTGGTCTCACAGAGGCACTGCCAGGGCTC[A>T]TTACAGATGCCGTGGACGCATCCCGGGTGTGGGATGCACTTATCACAGTACAGGCCTTGC-3'
Protein context (NP_000205.1, residues 267-287): PHPGCVHGIC[Asn277Lys]EPWQCLCETN

Conditions:
Arteriohepatic dysplasia. Also called: Alagille Syndrome. Identifiers: Orphanet 52, MedGen C0085280, MeSH D016738, MONDO:0007318.

Submission:

Gilbert/Spinner Lab, Children's Hospital of Philadelphia
No classification provided (evidence only). Condition: Alagille syndrome. Review status: no classification provided. Collection method: research. Allele origin: not applicable. Functional consequence: functionally_abnormal.
ClinVar note: "not provided" was previously submitted as the classification for the variant. However, the classification appeared to be based only on an observation of functional data so it was converted to no classification on 2025-07-30.